The following is an entry in ClinVar:

ClinVar aggregate classification (germline): Uncertain significance (1 of 4 stars; one submission).

Conditions:
Myopathy, centronuclear, 2 (CNM2). Also called: MYOTUBULAR MYOPATHY, AUTOSOMAL RECESSIVE. Identifiers: Orphanet 169186, MedGen CN031787, MONDO:0009709, OMIM 255200.

Submission:

Labcorp Genetics (formerly Invitae), Labcorp
Classification: Uncertain significance for Myopathy, centronuclear, 2. Last evaluated: 2022-07-06. Review status: criteria provided, single submitter. Criteria: Invitae Variant Classification Sherloc (09022015). Collection method: clinical testing. Allele origin: germline.
Comment: This sequence change replaces threonine, which is neutral and polar, with isoleucine, which is neutral and non-polar, at codon 307 of the BIN1 protein (p.Thr307Ile). This variant is not present in population databases (gnomAD no frequency). In summary, the available evidence is currently insufficient to determine the role of this variant in disease. Therefore, it has been classified as a Variant of Uncertain Significance. Algorithms developed to predict the effect of missense changes on protein structure and function (SIFT, PolyPhen-2, Align-GVGD) all suggest that this variant is likely to be tolerated. ClinVar contains an entry for this variant (Variation ID: 1040853). This variant has not been reported in the literature in individuals affected with BIN1-related conditions.

NM_139343.3(BIN1):c.920C>T (p.Thr307Ile)

Gene: BIN1 (bridging integrator 1; minus strand). Cytogenetic location: 2q14.3.
Variant type: single nucleotide variant.
Coding change: c.920C>T on transcript NM_139343.3 (MANE Select); coding-DNA position 920, C replaced by T.
Protein change: p.Thr307Ile; replaces threonine 307 with isoleucine.
Molecular consequence: missense variant.
Genome position (GRCh38, 1-based): chr2:127,059,093, G>A on the plus strand (C>T on the coding strand, the complement: BIN1 is on the minus strand). VCF-style: chr2-127059093-G-A. GRCh37 (hg19) VCF-style: chr2-127816669-G-A.
Other names: c.872C>T, p.Thr291Ile (NM_001320632.2, NM_004305.4, NM_139346.3); c.920C>T, p.Thr307Ile (NM_001320633.2, NM_001320640.2, NM_139344.3 and 1 more transcripts); c.755C>T, p.Thr252Ile (NM_001320634.1); c.827C>T, p.Thr276Ile (NM_001320641.2, NM_139347.3, NM_139348.3 and 3 more transcripts); c.839C>T, p.Thr280Ile (NM_001320642.1); short protein forms T276I, T280I, T307I, T291I, T252I.
Identifiers: ClinVar variation 1040853 (VCV001040853.6), dbSNP rs199551366, ClinGen allele CA348379652.